The following is an entry in ClinVar:

ClinVar aggregate classification (germline): Likely benign. Review status: criteria provided, multiple submitters, no conflicts (2 of 4 stars). 2 submissions from 2 submitters: Likely benign (2). Last evaluated 2025-10-14.

Conditions:
NAF1-related disorder. Also called: NAF1-related condition.

Allele frequency attached by ClinVar (database versions not stated): ExAC 0.00001; gnomAD 0.00001; gnomAD exomes 0.00001; TOPMed 0.00002.
gnomAD v4.1: 20 of 1,605,860 alleles (0.0012%); highest among the groups gnomAD compares: Admixed American, 0.0051%; no homozygotes.

Submissions (2):

Labcorp Genetics (formerly Invitae), Labcorp
Classification: Likely benign. Last evaluated: 2025-10-14. Review status: criteria provided, single submitter. Criteria: Invitae Variant Classification Sherloc (09022015). Collection method: clinical testing. Allele origin: germline.

PreventionGenetics, part of Exact Sciences
Classification: Likely benign for NAF1-related condition. Last evaluated: 2025-04-08. Review status: criteria provided, single submitter. Criteria: ACMG Guidelines, 2015. Collection method: clinical testing. Allele origin: germline.
Comment: This variant is classified as likely benign based on ACMG/AMP sequence variant interpretation guidelines (Richards et al. 2015 PMID: 25741868, with internal and published modifications).

NM_138386.3(NAF1):c.273C>T (p.Ala91=)

Gene: NAF1 (nuclear assembly factor 1 ribonucleoprotein; minus strand). Cytogenetic location: 4q32.2.
Variant type: single nucleotide variant.
Coding change: c.273C>T on transcript NM_138386.3 (MANE Select); coding-DNA position 273, C replaced by T.
Protein change: p.Ala91=; no amino-acid change (alanine 91 retained).
Molecular consequence: synonymous variant.
Genome position (GRCh38, 1-based): chr4:163,166,455, G>A on the plus strand (C>T on the coding strand, the complement: NAF1 is on the minus strand). VCF-style: chr4-163166455-G-A. GRCh37 (hg19) VCF-style: chr4-164087607-G-A.
Other names: c.273C>T (NM_138386.2); c.273C>T, p.Ala91= (NM_001128931.2).
Identifiers: ClinVar variation 1924782 (VCV001924782.6), dbSNP rs778170283, ClinGen allele CA3126435.
Genomic context (GRCh38, chr4:163,166,455, plus strand): 5'-CAAGGAGTCCGGCGCCCGCGCAGGCTCTGCGGCTCCTGGGGAGGTGACGCAGTCTCCGCA[G>A]GCCGGCGATTCAGCCGGTGGCTGTGGCTGCGGCGCCGGGGTCCCGGCCGCGACGGCGTTC-3'
Protein context (NP_612395.2, residues 81-101): PQPQPPAESP[Ala91=]CGDCVTSPGA